The following is an entry in ClinVar:

ClinVar aggregate classification (germline): Uncertain significance (1 of 4 stars; one submission).

gnomAD v4.1: 4 of 1,613,618 alleles (0.00025%); highest among the groups gnomAD compares: Non-Finnish European, 0.00025%; no homozygotes.

Submission:

Labcorp Genetics (formerly Invitae), Labcorp
Classification: Uncertain significance. Last evaluated: 2025-03-31. Review status: criteria provided, single submitter. Criteria: Invitae Variant Classification Sherloc (09022015). Collection method: clinical testing. Allele origin: germline.
Comment: This sequence change falls in intron 38 of the MYH9 gene. It does not directly change the encoded amino acid sequence of the MYH9 protein. It affects a nucleotide within the consensus splice site. This variant is present in population databases (no rsID available, gnomAD 0.006%). This variant has not been reported in the literature in individuals affected with MYH9-related conditions. ClinVar contains an entry for this variant (Variation ID: 2192084). Variants that disrupt the consensus splice site are a relatively common cause of aberrant splicing (PMID: 17576681, 9536098). Algorithms developed to predict the effect of sequence changes on RNA splicing suggest that this variant may disrupt the consensus splice site. In summary, the available evidence is currently insufficient to determine the role of this variant in disease. Therefore, it has been classified as a Variant of Uncertain Significance.

Literature cited by the submitters: PubMed 17576681; PubMed 9536098.

NM_002473.6(MYH9):c.5483+5G>C

Gene: MYH9 (myosin heavy chain 9; minus strand). Cytogenetic location: 22q12.3.
Variant type: single nucleotide variant.
Coding change: c.5483+5G>C on transcript NM_002473.6 (MANE Select); 5 bases into the intron after coding-DNA position 5483, G replaced by C.
Molecular consequence: intron variant.
Genome position (GRCh38, 1-based): chr22:36,285,116, C>G on the plus strand (G>C on the coding strand, the complement: MYH9 is on the minus strand). VCF-style: chr22-36285116-C-G. GRCh37 (hg19) VCF-style: chr22-36681162-C-G.
Identifiers: ClinVar variation 2192084 (VCV002192084.4), dbSNP rs779403059, ClinGen allele CA323585355.